The following is an entry in ClinVar:

NM_003802.3(MYH13):c.3383C>T (p.Ala1128Val)

Gene: MYH13 (myosin heavy chain 13; minus strand). Cytogenetic location: 17p13.1.
Variant type: single nucleotide variant.
Coding change: c.3383C>T on transcript NM_003802.3 (MANE Select); coding-DNA position 3383, C replaced by T.
Protein change: p.Ala1128Val; replaces alanine 1128 with valine.
Molecular consequence: missense variant.
Genome position (GRCh38, 1-based): chr17:10,319,145, G>A on the plus strand (C>T on the coding strand, the complement: MYH13 is on the minus strand). VCF-style: chr17-10319145-G-A. GRCh37 (hg19) VCF-style: chr17-10222462-G-A.
Other names: short protein forms A1128V.
Identifiers: ClinVar variation 4083628 (VCV004083628.8).
Genomic context (GRCh38, chr17:10,319,145, plus strand): 5'-TCCAGTTCCCTGGCCAGATCTGAGCGCTGCTTCTCAATCTTGGCTCTGAGCGTGTGTTCC[G>A]CTTCAATTTCCTCCTCCAGCTCTTCTATGCGGGCCTGAAAGGATTACTCTATCAGGAATG-3'
Protein context (NP_003793.2, residues 1118-1138): RIEELEEEIE[Ala1128Val]EHTLRAKIEK

ClinVar aggregate classification (germline): Benign (1 of 4 stars; one submission).

gnomAD v4.1: 17,920 of 1,614,004 alleles (1.1%); highest among the groups gnomAD compares: Non-Finnish European, 1.4%; 142 homozygotes.

Submission:

CeGaT Center for Human Genetics Tuebingen
Classification: Benign. Last evaluated: 2025-07-01. Review status: criteria provided, single submitter. Criteria: CeGaT Center For Human Genetics Tuebingen Variant Classification Criteria Version 2. Collection method: clinical testing. Allele origin: germline. Affected: yes. Observed: 1 variant allele.
Comment: MYH13: BP4, BS1, BS2